The following is an entry in ClinVar:

NM_006084.5(IRF9):c.364+5G>A

Gene: IRF9 (interferon regulatory factor 9; plus strand). Cytogenetic location: 14q12.
Variant type: single nucleotide variant.
Coding change: c.364+5G>A on transcript NM_006084.5 (MANE Select); 5 bases into the intron after coding-DNA position 364, G replaced by A.
Molecular consequence: intron variant.
Genome position (GRCh38, 1-based): chr14:24,163,154, G>A. VCF-style: chr14-24163154-G-A. GRCh37 (hg19) VCF-style: chr14-24632363-G-A.
Other names: c.364+5G>A (NM_001385400.1, NM_001385401.1, NM_001385402.1).
Identifiers: ClinVar variation 1943107 (VCV001943107.5), dbSNP rs765956991, ClinGen allele CA7126408.

ClinVar aggregate classification (germline): Uncertain significance (1 of 4 stars; one submission).

Allele frequency attached by ClinVar (database versions not stated): gnomAD exomes below 0.00001; ExAC 0.00001; TOPMed 0.00001; gnomAD 0.00003.

Submission:

Labcorp Genetics (formerly Invitae), Labcorp
Classification: Uncertain significance. Last evaluated: 2024-03-07. Review status: criteria provided, single submitter. Criteria: Invitae Variant Classification Sherloc (09022015). Collection method: clinical testing. Allele origin: germline.
Comment: This sequence change falls in intron 3 of the IRF9 gene. It does not directly change the encoded amino acid sequence of the IRF9 protein. It affects a nucleotide within the consensus splice site. This variant is not present in population databases (gnomAD no frequency). This variant has not been reported in the literature in individuals affected with IRF9-related conditions. ClinVar contains an entry for this variant (Variation ID: 1943107). Variants that disrupt the consensus splice site are a relatively common cause of aberrant splicing (PMID: 17576681, 9536098). Algorithms developed to predict the effect of sequence changes on RNA splicing suggest that this variant is not likely to affect RNA splicing. In summary, the available evidence is currently insufficient to determine the role of this variant in disease. Therefore, it has been classified as a Variant of Uncertain Significance.

Literature cited by the submitters: PubMed 17576681; PubMed 9536098.